The following is an entry in ClinVar:

ClinVar aggregate classification (germline): Uncertain significance (1 of 4 stars; one submission).

Allele frequency attached by ClinVar (database versions not stated): gnomAD exomes below 0.00001; TOPMed below 0.00001.
gnomAD v4.1: 3 of 1,613,726 alleles (0.00019%); highest among the groups gnomAD compares: Non-Finnish European, 0.00025%; no homozygotes.

Submission:

Labcorp Genetics (formerly Invitae), Labcorp
Classification: Uncertain significance. Last evaluated: 2023-05-08. Review status: criteria provided, single submitter. Criteria: Invitae Variant Classification Sherloc (09022015). Collection method: clinical testing. Allele origin: germline.
Comment: This sequence change replaces histidine, which is basic and polar, with tyrosine, which is neutral and polar, at codon 180 of the CYP4V2 protein (p.His180Tyr). In summary, the available evidence is currently insufficient to determine the role of this variant in disease. Therefore, it has been classified as a Variant of Uncertain Significance. Advanced modeling of protein sequence and biophysical properties (such as structural, functional, and spatial information, amino acid conservation, physicochemical variation, residue mobility, and thermodynamic stability) performed at Invitae indicates that this missense variant is not expected to disrupt CYP4V2 protein function. ClinVar contains an entry for this variant (Variation ID: 1041927). This variant has not been reported in the literature in individuals affected with CYP4V2-related conditions. This variant is not present in population databases (gnomAD no frequency).

NM_207352.4(CYP4V2):c.538C>T (p.His180Tyr)

Gene: CYP4V2 (cytochrome P450 family 4 subfamily V member 2; plus strand). Cytogenetic location: 4q35.1.
Variant type: single nucleotide variant.
Coding change: c.538C>T on transcript NM_207352.4 (MANE Select); coding-DNA position 538, C replaced by T.
Protein change: p.His180Tyr; replaces histidine 180 with tyrosine.
Molecular consequence: missense variant.
Genome position (GRCh38, 1-based): chr4:186,197,064, C>T. VCF-style: chr4-186197064-C-T. GRCh37 (hg19) VCF-style: chr4-187118218-C-T.
Other names: short protein forms H180Y.
Identifiers: ClinVar variation 1041927 (VCV001041927.8), dbSNP rs1736169852, ClinGen allele CA358947521.